The following is an entry in ClinVar:

NM_000843.4(GRM6):c.1990del (p.Ser664fs)

Genes: GRM6 (glutamate metabotropic receptor 6; minus strand), ZNF454 (zinc finger protein 454; plus strand). Cytogenetic location: 5q35.3.
Variant type: Deletion.
Coding change: c.1990del on transcript NM_000843.4 (MANE Select); coding-DNA position 1990, one base deleted (A; older notation c.1990delA).
Protein change: p.Ser664fs; shifts the reading frame from serine 664.
Molecular consequence: frameshift variant.
Genome position (GRCh38, 1-based): chr5:178,986,264, T deleted on the plus strand (A on the coding strand, the reverse complement: GRM6 is on the minus strand). VCF-style (leftmost placement, unchanged base first): chr5-178986263-CT-C. GRCh37 (hg19) VCF-style: chr5-178413264-CT-C.
Other names: short protein forms S664fs.
Identifiers: ClinVar variation 3606094 (VCV003606094.2).

ClinVar aggregate classification (germline): Pathogenic (1 of 4 stars; one submission).

Submission:

Labcorp Genetics (formerly Invitae), Labcorp
Classification: Pathogenic. Last evaluated: 2024-09-04. Review status: criteria provided, single submitter. Criteria: Invitae Variant Classification Sherloc (09022015). Collection method: clinical testing. Allele origin: germline.
Comment: This sequence change creates a premature translational stop signal (p.Ser664Alafs*49) in the GRM6 gene. It is expected to result in an absent or disrupted protein product. Loss-of-function variants in GRM6 are known to be pathogenic (PMID: 15781871, 16622103, 22008250). This variant is present in population databases (no rsID available, gnomAD 0.002%). This variant has not been reported in the literature in individuals affected with GRM6-related conditions. For these reasons, this variant has been classified as Pathogenic.

Literature cited by the submitters: PubMed 15781871; PubMed 16622103; PubMed 22008250.